The following is an entry in ClinVar:

ClinVar aggregate classification (germline): Likely benign. Review status: criteria provided, multiple submitters, no conflicts (2 of 4 stars). 2 submissions from 2 submitters: Likely benign (2). Last evaluated 2025-02-10.

Conditions:
Colorectal cancer, susceptibility to, 12 (CRCS12). Also called: COLORECTAL CANCER, SUSCEPTIBILITY TO, ON CHROMOSOME 12q24. Identifiers: Orphanet 220460, MedGen C3554460, MONDO:0014038, OMIM 615083.

Allele frequency attached by ClinVar (database versions not stated): gnomAD exomes below 0.00001; TOPMed below 0.00001; gnomAD 0.00001.
gnomAD v4.1: 7 of 1,612,864 alleles (0.00043%); highest among the groups gnomAD compares: Non-Finnish European, 0.00059%; no homozygotes.

Submissions (2):

Myriad Genetics, Inc.
Classification: Likely benign for Colorectal cancer, susceptibility to, 12. Last evaluated: 2025-02-10. Review status: criteria provided, single submitter. Criteria: Myriad Autosomal Dominant, Autosomal Recessive and X-Linked Classification Criteria (2023). Collection method: clinical testing. Allele origin: unknown.
Comment: This variant is considered likely benign. This variant is intronic and is not expected to impact mRNA splicing.

Labcorp Genetics (formerly Invitae), Labcorp
Classification: Likely benign. Last evaluated: 2024-02-01. Review status: criteria provided, single submitter. Criteria: Invitae Variant Classification Sherloc (09022015). Collection method: clinical testing. Allele origin: germline.

NM_006231.4(POLE):c.1227-13A>G

Gene: POLE (DNA polymerase epsilon, catalytic subunit; minus strand). Cytogenetic location: 12q24.33.
Variant type: single nucleotide variant.
Coding change: c.1227-13A>G on transcript NM_006231.4 (MANE Select); 13 bases into the intron before coding-DNA position 1227, A replaced by G.
Molecular consequence: intron variant.
Genome position (GRCh38, 1-based): chr12:132,673,720, T>C on the plus strand (A>G on the coding strand, the complement: POLE is on the minus strand). VCF-style: chr12-132673720-T-C. GRCh37 (hg19) VCF-style: chr12-133250306-T-C.
Identifiers: ClinVar variation 2163241 (VCV002163241.5), dbSNP rs1320893141, ClinGen allele CA685555847.